The following is an entry in ClinVar:

NM_020987.5(ANK3):c.7520C>A (p.Ala2507Asp)

Gene: ANK3 (ankyrin 3; minus strand). Cytogenetic location: 10q21.2.
Variant type: single nucleotide variant.
Coding change: c.7520C>A on transcript NM_020987.5 (MANE Select); coding-DNA position 7520, C replaced by A.
Protein change: p.Ala2507Asp; replaces alanine 2507 with aspartic acid.
Molecular consequence: missense variant. On other transcripts: intron variant (4).
Genome position (GRCh38, 1-based): chr10:60,073,361, G>T on the plus strand (C>A on the coding strand, the complement: ANK3 is on the minus strand). VCF-style: chr10-60073361-G-T. GRCh37 (hg19) VCF-style: chr10-61833119-G-T.
Other names: c.4388-5352C>A (NM_001204403.2); c.4409-5352C>A (NM_001204404.2); c.4406-5352C>A (NM_001320874.2); c.1808-5352C>A (NM_001149.4); short protein forms A2507D.
Identifiers: ClinVar variation 2878978 (VCV002878978.3), dbSNP rs2492551144, ClinGen allele CA377010306.

ClinVar aggregate classification (germline): Uncertain significance (1 of 4 stars; one submission).

Submission:

Labcorp Genetics (formerly Invitae), Labcorp
Classification: Uncertain significance. Last evaluated: 2023-12-19. Review status: criteria provided, single submitter. Criteria: Invitae Variant Classification Sherloc (09022015). Collection method: clinical testing. Allele origin: germline.
Comment: This sequence change replaces alanine, which is neutral and non-polar, with aspartic acid, which is acidic and polar, at codon 2507 of the ANK3 protein (p.Ala2507Asp). This variant is not present in population databases (gnomAD no frequency). This variant has not been reported in the literature in individuals affected with ANK3-related conditions. Advanced modeling of protein sequence and biophysical properties (such as structural, functional, and spatial information, amino acid conservation, physicochemical variation, residue mobility, and thermodynamic stability) performed at Invitae indicates that this missense variant is not expected to disrupt ANK3 protein function with a negative predictive value of 80%. In summary, the available evidence is currently insufficient to determine the role of this variant in disease. Therefore, it has been classified as a Variant of Uncertain Significance.